The following is an entry in ClinVar:

NM_152383.5(DIS3L2):c.844C>T (p.Leu282Phe)

Gene: DIS3L2 (DIS3 like 3'-5' exoribonuclease 2; plus strand). Cytogenetic location: 2q37.1.
Variant type: single nucleotide variant.
Coding change: c.844C>T on transcript NM_152383.5 (MANE Select); coding-DNA position 844, C replaced by T.
Protein change: p.Leu282Phe; replaces leucine 282 with phenylalanine.
Molecular consequence: missense variant. On other transcripts: non-coding transcript variant (1).
Genome position (GRCh38, 1-based): chr2:232,136,613, C>T. VCF-style: chr2-232136613-C-T. GRCh37 (hg19) VCF-style: chr2-233001323-C-T.
Other names: c.844C>T, p.Leu282Phe (NM_001257281.2); short protein forms L282F.
Identifiers: ClinVar variation 2959456 (VCV002959456.3), dbSNP rs2469848548, ClinGen allele CA351153712.

ClinVar aggregate classification (germline): Uncertain significance (1 of 4 stars; one submission).

Conditions:
Perlman syndrome (PRLMNS). Identifiers: Orphanet 2849, MedGen C0796113, MONDO:0009965, OMIM 267000.

Allele frequency attached by ClinVar (database versions not stated): gnomAD exomes below 0.00001.

Submission:

Labcorp Genetics (formerly Invitae), Labcorp
Classification: Uncertain significance for Perlman syndrome. Last evaluated: 2023-06-02. Review status: criteria provided, single submitter. Criteria: Invitae Variant Classification Sherloc (09022015). Collection method: clinical testing. Allele origin: germline.
Comment: In summary, the available evidence is currently insufficient to determine the role of this variant in disease. Therefore, it has been classified as a Variant of Uncertain Significance. Advanced modeling of protein sequence and biophysical properties (such as structural, functional, and spatial information, amino acid conservation, physicochemical variation, residue mobility, and thermodynamic stability) performed at Invitae indicates that this missense variant is not expected to disrupt DIS3L2 protein function. This variant has not been reported in the literature in individuals affected with DIS3L2-related conditions. This variant is not present in population databases (gnomAD no frequency). This sequence change replaces leucine, which is neutral and non-polar, with phenylalanine, which is neutral and non-polar, at codon 282 of the DIS3L2 protein (p.Leu282Phe).